The following is an entry in ClinVar:

NM_022124.6(CDH23):c.6249G>A (p.Pro2083=)

Gene: CDH23 (cadherin related 23; plus strand). Cytogenetic location: 10q22.1.
Variant type: single nucleotide variant.
Coding change: c.6249G>A on transcript NM_022124.6 (MANE Select); coding-DNA position 6249, G replaced by A.
Protein change: p.Pro2083=; no amino-acid change (proline 2083 retained).
Molecular consequence: synonymous variant.
Genome position (GRCh38, 1-based): chr10:71,791,331, G>A. VCF-style: chr10-71791331-G-A. GRCh37 (hg19) VCF-style: chr10-73551088-G-A.
Other names: p.Pro2083=.
Identifiers: ClinVar variation 46007 (VCV000046007.21), dbSNP rs55964031, ClinGen allele CA137529.

ClinVar aggregate classification (germline): Benign/Likely benign. Review status: criteria provided, multiple submitters, no conflicts (2 of 4 stars). 8 submissions from 7 submitters: Benign (5); Likely benign (2). 1 of the submissions does not count toward it. Last evaluated 2026-02-04.

Conditions:
Usher syndrome type 1 (USH1). Also called: RETINITIS PIGMENTOSA AND CONGENITAL DEAFNESS. Identifiers: Orphanet 231169, Orphanet 886, MedGen C1568247, MONDO:0010168, OMIM 276900.
Usher syndrome type 1D (USH1D). Also called: USHER SYNDROME, TYPE ID. Identifiers: Orphanet 231169, Orphanet 886, MedGen C1832845, MONDO:0010984, OMIM 601067.
Autosomal recessive nonsyndromic hearing loss 12. Also called: DEAFNESS, AUTOSOMAL RECESSIVE 12. Identifiers: Orphanet 90636, MedGen C1832394, MONDO:0011067, OMIM 601386.

Allele frequency attached by ClinVar (database versions not stated): gnomAD 0.02131; ESP Exome Variant Server 0.02248; TOPMed 0.02528; 1000 Genomes Project 0.02696; 1000 Genomes Project 30x 0.02904.
gnomAD v4.1: 6,937 of 1,612,980 alleles (0.43%); highest among the groups gnomAD compares: African/African-American, 7.8%; 240 homozygotes.

Submissions (8):

Labcorp Genetics (formerly Invitae), Labcorp
Classification: Benign. Last evaluated: 2026-02-04. Review status: criteria provided, single submitter. Criteria: Invitae Variant Classification Sherloc (09022015). Collection method: clinical testing. Allele origin: germline.

Mayo Clinic Laboratories, Mayo Clinic
Classification: Benign. Last evaluated: 2022-04-17. Review status: criteria provided, single submitter. Criteria: ACMG Guidelines, 2015. Collection method: clinical testing. Allele origin: germline. Observed: 5 variant alleles.

Illumina Laboratory Services, Illumina
Classification: Benign for Usher syndrome type 1D. Last evaluated: 2017-04-27. Review status: criteria provided, single submitter. Criteria: ICSL Variant Classification Criteria 13 December 2019. Collection method: clinical testing. Allele origin: germline.
Comment: This variant was observed as part of a predisposition screen in an ostensibly healthy population. A literature search was performed for the gene, cDNA change, and amino acid change (where applicable). No publications were found based on this search. Allele frequency data from public databases was too high to be consistent with this variant causing disease. Therefore, this variant is classified as benign.

Illumina Laboratory Services, Illumina
Classification: Likely benign for Autosomal recessive nonsyndromic hearing loss 12. Last evaluated: 2017-04-27. Review status: criteria provided, single submitter. Criteria: ICSL Variant Classification Criteria 13 December 2019. Collection method: clinical testing. Allele origin: germline.
Comment: This variant was observed as part of a predisposition screen in an ostensibly healthy population. A literature search was performed for the gene, cDNA change, and amino acid change (where applicable). Publications were found based on this search. The evidence from the literature, in combination with allele frequency data from public databases where available, was sufficient to determine this variant is unlikely to cause disease. Therefore, this variant is classified as likely benign.

GeneDx
Classification: Benign. Last evaluated: 2017-03-16. Review status: criteria provided, single submitter. Criteria: GeneDx Variant Classification (06012015). Collection method: clinical testing. Allele origin: germline. Affected: yes.
Comment: This variant is considered likely benign or benign based on one or more of the following criteria: it is a conservative change, it occurs at a poorly conserved position in the protein, it is predicted to be benign by multiple in silico algorithms, and/or has population frequency not consistent with disease.

Laboratory for Molecular Medicine, Mass General Brigham Personalized Medicine
Classification: Benign. Last evaluated: 2011-01-10. Review status: criteria provided, single submitter. Criteria: LMM Criteria. Collection method: clinical testing. Allele origin: germline. Observed: 43 variant alleles.
Comment: Pro2083Pro in exon 47 of CDH23: This variant is not expected to have clinical si gnificance because it does not alter an amino acid residue, is not located near a splice junction, was identified in 8/50 (16%) Black individuals (rs55964031), and is reported as a polymorphism in the UMD database.

Breakthrough Genomics
Classification: Likely benign. Review status: criteria provided, single submitter. Criteria: ACMG Guidelines, 2015. Collection method: not provided. Allele origin: germline. Inheritance: Autosomal recessive inheritance. Affected: yes.

Natera, Inc.
Classification: Benign for Usher syndrome type 1. Last evaluated: 2020-09-16. Review status: no assertion criteria provided. Collection method: clinical testing. Allele origin: germline. Not counted in ClinVar's aggregate classification.

Literature cited by the submitters: PubMed 17850630 (cited by Illumina Laboratory Services, Illumina).